The following is an entry in ClinVar:

ClinVar aggregate classification (germline): Uncertain significance (1 of 4 stars; one submission).

gnomAD v4.1: 2 of 1,590,878 alleles (0.00013%); highest among the groups gnomAD compares: Non-Finnish European, 0.000086%; no homozygotes.

Submission:

Labcorp Genetics (formerly Invitae), Labcorp
Classification: Uncertain significance. Last evaluated: 2022-05-25. Review status: criteria provided, single submitter. Criteria: Invitae Variant Classification Sherloc (09022015). Collection method: clinical testing. Allele origin: germline.
Comment: In summary, the available evidence is currently insufficient to determine the role of this variant in disease. Therefore, it has been classified as a Variant of Uncertain Significance. Variants that disrupt the consensus splice site are a relatively common cause of aberrant splicing (PMID: 17576681, 9536098). Algorithms developed to predict the effect of sequence changes on RNA splicing suggest that this variant is not likely to affect RNA splicing. This variant has not been reported in the literature in individuals affected with MCM5-related conditions. This variant is not present in population databases (gnomAD no frequency). This sequence change falls in intron 7 of the MCM5 gene. It does not directly change the encoded amino acid sequence of the MCM5 protein. It affects a nucleotide within the consensus splice site.

Literature cited by the submitters: PubMed 17576681; PubMed 9536098.

NM_006739.4(MCM5):c.919+3G>A

Gene: MCM5 (minichromosome maintenance complex component 5; plus strand). Cytogenetic location: 22q12.3.
Variant type: single nucleotide variant.
Coding change: c.919+3G>A on transcript NM_006739.4 (MANE Select); 3 bases into the intron after coding-DNA position 919, G replaced by A.
Molecular consequence: intron variant.
Genome position (GRCh38, 1-based): chr22:35,410,913, G>A. VCF-style: chr22-35410913-G-A. GRCh37 (hg19) VCF-style: chr22-35806906-G-A.
Identifiers: ClinVar variation 1998478 (VCV001998478.4), dbSNP rs2517892971, ClinGen allele CA2577700074.